The following is an entry in ClinVar:

ClinVar aggregate classification (germline): Uncertain significance (1 of 4 stars; one submission).

Conditions:
3-hydroxyisobutyryl-CoA hydrolase deficiency. Also called: HIBCH DEFICIENCY; METHACRYLIC ACID TOXICITY; METHACRYLIC ACIDURIA; VALINE METABOLIC DEFECT; Reduced circulating 3-hydroxyisobutyryl-CoA hydrolase activity; Deficiency of 3-hydroxyisobutyryl CoA hydrolase. Identifiers: Orphanet 88639, MedGen C0342738, MONDO:0009603, OMIM 250620, HP:6000215.

Submission:

Laboratorio de Genetica e Diagnostico Molecular, Hospital Israelita Albert Einstein
Classification: Uncertain significance for 3-hydroxyisobutyryl-CoA hydrolase deficiency. Last evaluated: 2025-04-14. Review status: criteria provided, single submitter. Criteria: ACMG Guidelines, 2015. Collection method: clinical testing. Allele origin: germline. Affected: yes.
Comment: ACMG classification criteria: PM2 supporting

NM_014362.4(HIBCH):c.386-286T>G

Gene: HIBCH (3-hydroxyisobutyryl-CoA hydrolase; minus strand). Cytogenetic location: 2q32.2.
Variant type: single nucleotide variant.
Coding change: c.386-286T>G on transcript NM_014362.4 (MANE Select); 286 bases into the intron before coding-DNA position 386, T replaced by G.
Molecular consequence: intron variant.
Genome position (GRCh38, 1-based): chr2:190,287,924, A>C on the plus strand (T>G on the coding strand, the complement: HIBCH is on the minus strand). VCF-style: chr2-190287924-A-C. GRCh37 (hg19) VCF-style: chr2-191152650-A-C.
Other names: c.386-286T>G (NM_198047.3).
Identifiers: ClinVar variation 4056638 (VCV004056638.1).